The following is an entry in ClinVar:

NM_000465.4(BARD1):c.551C>T (p.Ser184Phe)

Gene: BARD1 (BRCA1 associated RING domain 1; minus strand). Cytogenetic location: 2q35.
Variant type: single nucleotide variant.
Coding change: c.551C>T on transcript NM_000465.4 (MANE Select); coding-DNA position 551, C replaced by T.
Protein change: p.Ser184Phe; replaces serine 184 with phenylalanine.
Molecular consequence: missense variant. On other transcripts: non-coding transcript variant (2), intron variant (3).
Genome position (GRCh38, 1-based): chr2:214,781,323, G>A on the plus strand (C>T on the coding strand, the complement: BARD1 is on the minus strand). VCF-style: chr2-214781323-G-A. GRCh37 (hg19) VCF-style: chr2-215646047-G-A.
Other names: c.494C>T, p.Ser165Phe (NM_001282543.2); c.158+28089C>T (NM_001282548.2); c.215+15738C>T (NM_001282545.2); c.364+10974C>T (NM_001282549.2); c.551C>T (NM_000465.2); short protein forms S184F, S165F.
Identifiers: ClinVar variation 925897 (VCV000925897.13), dbSNP rs184660818, ClinGen allele CA64789044.

ClinVar aggregate classification (germline): Uncertain significance. Review status: criteria provided, multiple submitters, no conflicts (2 of 4 stars). 3 submissions from 3 submitters: Uncertain significance (3). Last evaluated 2026-01-14.

Conditions:
Hereditary cancer-predisposing syndrome. Also called: Tumor predisposition; Hereditary neoplastic syndrome; Hereditary Cancer Syndrome; Neoplastic Syndromes, Hereditary. Identifiers: Orphanet 140162, MedGen C0027672, MeSH D009386, MONDO:0015356.
Familial cancer of breast. Also called: BREAST CANCER, FAMILIAL; Hereditary breast cancer; hereditary breast carcinoma. Identifiers: Orphanet 227535, MedGen C0346153, MONDO:0016419, OMIM 114480. Disease mechanism: loss of function.

Allele frequency attached by ClinVar (database versions not stated): gnomAD exomes below 0.00001; gnomAD 0.00001; 1000 Genomes Project 0.00020; 1000 Genomes Project 30x 0.00031.

Submissions (3):

Ambry Genetics
Classification: Uncertain significance for Hereditary cancer-predisposing syndrome. Last evaluated: 2026-01-14. Review status: criteria provided, single submitter. Criteria: Ambry Variant Classification Scheme 2023. Collection method: clinical testing. Allele origin: germline.
Comment: The p.S184F variant (also known as c.551C>T), located in coding exon 4 of the BARD1 gene, results from a C to T substitution at nucleotide position 551. The serine at codon 184 is replaced by phenylalanine, an amino acid with highly dissimilar properties. This amino acid position is well conserved in available vertebrate species. In addition, the in silico prediction for this alteration is inconclusive. Based on the available evidence, the clinical significance of this variant remains unclear.

Labcorp Genetics (formerly Invitae), Labcorp
Classification: Uncertain significance for Familial cancer of breast. Last evaluated: 2025-10-18. Review status: criteria provided, single submitter. Criteria: Invitae Variant Classification Sherloc (09022015). Collection method: clinical testing. Allele origin: germline.
Comment: This sequence change replaces serine, which is neutral and polar, with phenylalanine, which is neutral and non-polar, at codon 184 of the BARD1 protein (p.Ser184Phe). This variant is not present in population databases (gnomAD no frequency). This variant has not been reported in the literature in individuals affected with BARD1-related conditions. ClinVar contains an entry for this variant (Variation ID: 925897). An algorithm developed to predict the effect of missense changes on protein structure and function (PolyPhen-2) suggests that this variant is likely to be disruptive. In summary, the available evidence is currently insufficient to determine the role of this variant in disease. Therefore, it has been classified as a Variant of Uncertain Significance.

Color Diagnostics, LLC DBA Color Health
Classification: Uncertain significance for Hereditary cancer-predisposing syndrome. Last evaluated: 2019-11-01. Review status: criteria provided, single submitter. Criteria: ACMG Guidelines, 2015. Collection method: clinical testing. Allele origin: germline.
Comment: This missense variant replaces serine with phenylalanine at codon 184 of the BARD1 protein. Computational prediction tool suggests that this variant may not impact protein structure and function (internally defined REVEL score threshold ≤0.5, PMID: 27666373). Splice site prediction tools suggest that this variant may not impact RNA splicing. To our knowledge, functional studies have not been performed for this variant. This variant has not been reported in individuals affected with hereditary cancer in the literature. This variant has been identified in 1/250130 chromosomes in the general population by the Genome Aggregation Database (gnomAD). The available evidence is insufficient to determine the role of this variant in disease conclusively. Therefore, this variant is classified as a Variant of Uncertain Significance.